The following is an entry in ClinVar:

ClinVar aggregate classification (germline): Uncertain significance. Review status: criteria provided, multiple submitters, no conflicts (2 of 4 stars). 3 submissions from 3 submitters: Uncertain significance (2). 1 of the submissions does not count toward it. Last evaluated 2025-11-17.

Conditions:
ATOH7-related condition.

Allele frequency attached by ClinVar (database versions not stated): TOPMed 0.00002.

Submissions (3):

Labcorp Genetics (formerly Invitae), Labcorp
Classification: Uncertain significance. Last evaluated: 2025-11-17. Review status: criteria provided, single submitter. Criteria: Invitae Variant Classification Sherloc (09022015). Collection method: clinical testing. Allele origin: germline.
Comment: This sequence change replaces glutamine, which is neutral and polar, with proline, which is neutral and non-polar, at codon 54 of the ATOH7 protein (p.Gln54Pro). This variant is present in population databases (rs749493800, gnomAD 0.001%). This variant has not been reported in the literature in individuals affected with ATOH7-related conditions. ClinVar contains an entry for this variant (Variation ID: 1020462). An algorithm developed to predict the effect of missense changes on protein structure and function (PolyPhen-2) suggests that this variant is likely to be disruptive. In summary, the available evidence is currently insufficient to determine the role of this variant in disease. Therefore, it has been classified as a Variant of Uncertain Significance.

Ambry Genetics
Classification: Uncertain significance. Last evaluated: 2023-04-17. Review status: criteria provided, single submitter. Criteria: Ambry Variant Classification Scheme 2023. Collection method: clinical testing. Allele origin: germline.

PreventionGenetics, part of Exact Sciences
Classification: Uncertain significance for ATOH7-related condition. Last evaluated: 2024-04-03. Review status: no assertion criteria provided. Collection method: clinical testing. Allele origin: germline. Not counted in ClinVar's aggregate classification.
Comment: The ATOH7 c.161A>C variant is predicted to result in the amino acid substitution p.Gln54Pro. To our knowledge, this variant has not been reported in the literature. This variant is reported in 0.0013% of alleles in individuals of European (Non-Finnish) descent in gnomAD. At this time, the clinical significance of this variant is uncertain due to the absence of conclusive functional and genetic evidence.

NM_145178.4(ATOH7):c.161A>C (p.Gln54Pro)

Gene: ATOH7 (atonal bHLH transcription factor 7; minus strand). Cytogenetic location: 10q21.3.
Variant type: single nucleotide variant.
Coding change: c.161A>C on transcript NM_145178.4 (MANE Select); coding-DNA position 161, A replaced by C.
Protein change: p.Gln54Pro; replaces glutamine 54 with proline.
Molecular consequence: missense variant.
Genome position (GRCh38, 1-based): chr10:68,231,517, T>G on the plus strand (A>C on the coding strand, the complement: ATOH7 is on the minus strand). VCF-style: chr10-68231517-T-G. GRCh37 (hg19) VCF-style: chr10-69991274-T-G.
Other names: c.161A>C (NM_145178.2, NM_145178.3); short protein forms Q54P.
Identifiers: ClinVar variation 1020462 (VCV001020462.12), dbSNP rs749493800, ClinGen allele CA5523381.